The following is an entry in ClinVar:

NM_000532.5(PCCB):c.1481T>C (p.Phe494Ser)

Gene: PCCB (propionyl-CoA carboxylase subunit beta; plus strand). Cytogenetic location: 3q22.3.
Variant type: single nucleotide variant.
Coding change: c.1481T>C on transcript NM_000532.5 (MANE Select); coding-DNA position 1481, T replaced by C.
Protein change: p.Phe494Ser; replaces phenylalanine 494 with serine.
Molecular consequence: missense variant.
Genome position (GRCh38, 1-based): chr3:136,328,840, T>C. VCF-style: chr3-136328840-T-C. GRCh37 (hg19) VCF-style: chr3-136047682-T-C.
Other names: c.1541T>C, p.Phe514Ser (NM_001178014.2); short protein forms F514S, F494S.
Identifiers: ClinVar variation 1042416 (VCV001042416.8), dbSNP rs1935428949, ClinGen allele CA354649725.

ClinVar aggregate classification (germline): Uncertain significance (1 of 4 stars; one submission).

Conditions:
Propionic acidemia (PROP). Also called: GLYCINEMIA, KETOTIC; HYPERGLYCINEMIA WITH KETOACIDOSIS AND LEUKOPENIA; KETOTIC HYPERGLYCINEMIA. Identifiers: Orphanet 35, MedGen C0268579, MONDO:0011628, OMIM 606054, HP:0003571.

Allele frequency attached by ClinVar (database versions not stated): gnomAD exomes below 0.00001; gnomAD 0.00001; TOPMed 0.00001.
gnomAD v4.1: 3 of 1,613,836 alleles (0.00019%); highest among the groups gnomAD compares: Non-Finnish European, 0.00025%; no homozygotes.

Submission:

Labcorp Genetics (formerly Invitae), Labcorp
Classification: Uncertain significance for Propionic acidemia. Last evaluated: 2024-10-24. Review status: criteria provided, single submitter. Criteria: Invitae Variant Classification Sherloc (09022015). Collection method: clinical testing. Allele origin: germline.
Comment: This sequence change replaces phenylalanine, which is neutral and non-polar, with serine, which is neutral and polar, at codon 494 of the PCCB protein (p.Phe494Ser). This variant is not present in population databases (gnomAD no frequency). This variant has not been reported in the literature in individuals affected with PCCB-related conditions. ClinVar contains an entry for this variant (Variation ID: 1042416). Invitae Evidence Modeling of protein sequence and biophysical properties (such as structural, functional, and spatial information, amino acid conservation, physicochemical variation, residue mobility, and thermodynamic stability) has been performed for this missense variant. However, the output from this modeling did not meet the statistical confidence thresholds required to predict the impact of this variant on PCCB protein function. In summary, the available evidence is currently insufficient to determine the role of this variant in disease. Therefore, it has been classified as a Variant of Uncertain Significance.